The following is an entry in ClinVar:

ClinVar aggregate classification (germline): Pathogenic. Review status: reviewed by expert panel (3 of 4 stars). 6 submissions from 6 submitters: Pathogenic (1). 5 of the submissions do not count toward it. Last evaluated 2016-09-08.

Conditions:
Hereditary cancer-predisposing syndrome. Also called: Tumor predisposition; Neoplastic Syndromes, Hereditary; Hereditary Cancer Syndrome; Hereditary neoplastic syndrome. Identifiers: Orphanet 140162, MedGen C0027672, MeSH D009386, MONDO:0015356.
Hereditary breast ovarian cancer syndrome. Also called: Hereditary breast and ovarian cancer syndrome (HBOC); Hereditary breast and ovarian cancer syndrome; Hereditary breast and ovarian cancer; Hereditary breast and/or ovarian cancer syndrome; Breast and ovarian cancer; BRCA1- and BRCA2-Associated Hereditary Breast and Ovarian Cancer. Identifiers: Orphanet 145, MedGen C0677776, MeSH D061325, MONDO:0003582. Disease mechanism: loss of function.
Breast-ovarian cancer, familial, susceptibility to, 1 (BROVCA1). Also called: OVARIAN CANCER, SUSCEPTIBILITY TO; BRCA1 Hereditary Breast and Ovarian Cancer. Identifiers: Orphanet 145, MedGen C2676676, MONDO:0011450, OMIM 604370. Disease mechanism: loss of function.

Submissions (6):

Evidence-based Network for the Interpretation of Germline Mutant Alleles (ENIGMA)
Classification: Pathogenic for Breast-ovarian cancer, familial, susceptibility to, 1. Last evaluated: 2016-09-08. Review status: reviewed by expert panel. Criteria: ENIGMA BRCA1/2 Classification Criteria (2015). Collection method: curation. Allele origin: germline.
Comment: Variant allele predicted to encode a truncated non-functional protein.

Labcorp Genetics (formerly Invitae), Labcorp
Classification: Pathogenic for Hereditary breast ovarian cancer syndrome. Last evaluated: 2024-11-19. Review status: criteria provided, single submitter. Criteria: Invitae Variant Classification Sherloc (09022015). Collection method: clinical testing. Allele origin: germline. Not counted in ClinVar's aggregate classification.
Comment: This sequence change creates a premature translational stop signal (p.Arg979Valfs*21) in the BRCA1 gene. It is expected to result in an absent or disrupted protein product. Loss-of-function variants in BRCA1 are known to be pathogenic (PMID: 20104584). This variant is not present in population databases (gnomAD no frequency). This premature translational stop signal has been observed in individual(s) with breast and ovarian cancer (PMID: 11139249). This variant is also known as 3053delT. ClinVar contains an entry for this variant (Variation ID: 54726). For these reasons, this variant has been classified as Pathogenic.

Quest Diagnostics Nichols Institute San Juan Capistrano
Classification: Pathogenic. Last evaluated: 2023-05-26. Review status: criteria provided, single submitter. Criteria: Quest Diagnostics criteria. Collection method: clinical testing. Allele origin: unknown. Not counted in ClinVar's aggregate classification.
Comment: This variant alters the translational reading frame of the BRCA1 mRNA and causes the premature termination of BRCA1 protein synthesis. In the published literature, this variant has been reported in individuals with breast cancer (PMID: 34645131 (2022), 11139249 (2001)) and ovarian cancer (PMID: 33629534 (2021), 28888541 (2017)). This variant has not been reported in large, multi-ethnic general populations (Genome Aggregation Database). Based on the available information, this variant is classified as pathogenic.

GeneKor MSA
Classification: Pathogenic for Hereditary breast and ovarian cancer syndrome. Last evaluated: 2020-01-01. Review status: criteria provided, single submitter. Criteria: ACMG Guidelines, 2015. Collection method: clinical testing. Allele origin: germline. Affected: yes. Not counted in ClinVar's aggregate classification.
Comment: This sequence change deletes 1 nucleotide from exon 10 of the BRCA1 mRNA (c.9682delA), causing a frameshift at codon 979. This creates a premature translational stop signal 21 amino acid residues later and is expected to result in an absent or disrupted protein product. This mutation has been described in the mutation database ClinVar (Variation ID: 54726/).

Ambry Genetics
Classification: Pathogenic for Hereditary cancer-predisposing syndrome. Last evaluated: 2019-07-10. Review status: criteria provided, single submitter. Criteria: Ambry Variant Classification Scheme 2023. Collection method: clinical testing. Allele origin: germline. Not counted in ClinVar's aggregate classification.
Comment: The c.2934delT pathogenic mutation, located in coding exon 9 of the BRCA1 gene, results from a deletion of one nucleotide at position 2934, causing a translational frameshift with a predicted alternate stop codon (p.R979Vfs*21). In addition to the clinical data presented in the literature, this alteration is expected to result in loss of function by premature protein truncation or nonsense-mediated mRNA decay. As such, this alteration is interpreted as a disease-causing mutation.

Breast Cancer Information Core (BIC) (BRCA1)
Classification: Pathogenic for Breast-ovarian cancer, familial 1. Last evaluated: 2000-06-12. Review status: no assertion criteria provided. Collection method: clinical testing. Allele origin: germline. Affected: yes. Observed: 4 variant alleles. Not counted in ClinVar's aggregate classification.

Literature cited by the submitters: PubMed 20104584 (cited by Labcorp Genetics (formerly Invitae), Labcorp); PubMed 11139249 (cited by Labcorp Genetics (formerly Invitae), Labcorp and Quest Diagnostics Nichols Institute San Juan Capistrano); PubMed 34645131 (cited by Quest Diagnostics Nichols Institute San Juan Capistrano); PubMed 28888541 (cited by Quest Diagnostics Nichols Institute San Juan Capistrano); PubMed 33629534 (cited by Quest Diagnostics Nichols Institute San Juan Capistrano); PubMed 31159747 (cited by Quest Diagnostics Nichols Institute San Juan Capistrano).

NM_007294.4(BRCA1):c.2934del (p.Arg979fs)

Gene: BRCA1 (BRCA1 DNA repair associated; minus strand). Cytogenetic location: 17q21.31.
Variant type: Deletion.
Coding change: c.2934del on transcript NM_007294.4 (MANE Select); coding-DNA position 2934, one base deleted (T; older notation c.2934delT).
Protein change: p.Arg979fs; shifts the reading frame from arginine 979.
Molecular consequence: frameshift variant. On other transcripts: intron variant (137).
Genome position (GRCh38, 1-based): chr17:43,092,597, A deleted on the plus strand (T on the coding strand, the reverse complement: BRCA1 is on the minus strand). VCF-style (leftmost placement, unchanged base first): chr17-43092596-GA-G. GRCh37 (hg19) VCF-style: chr17-41244613-GA-G.
Other names: 3053delT; c.647-1565del (NM_001408461.1, NM_001408467.1, NM_001408459.1 and 11 more transcripts); c.785-1565del (NM_001408397.1, NM_001408401.1, NM_001408396.1 and 13 more transcripts); c.665-1565del (NM_001408436.1, NM_001408444.1, NM_001408438.1 and 12 more transcripts); c.788-1565del (NM_001407980.1, NM_001407993.1, NM_001407976.1 and 17 more transcripts); c.653-1565del (NM_001408451.1); c.644-1565del (NM_001408464.1, NM_001408468.1, NM_001408465.1 and 3 more transcripts); c.524-1565del (NM_001408498.1, NM_001408501.1, NM_001408500.1 and 3 more transcripts); and 44 more; short protein forms R979fs, R932fs, R811fs, R851fs, R909fs, R953fs, R683fs, R867fs.
Identifiers: ClinVar variation 54726 (VCV000054726.17), dbSNP rs80357741, ClinGen allele CA001914.